The following is an entry in ClinVar:

ClinVar aggregate classification (germline): Pathogenic. Review status: reviewed by expert panel (3 of 4 stars). 18 submissions from 18 submitters: Pathogenic (1). 17 of the submissions do not count toward it. Last evaluated 2016-09-08.

Conditions:
Malignant tumor of breast. Also called: Cancer breast; Malignant breast neoplasm. Identifiers: MedGen C0006142, MONDO:0007254. Disease mechanism: loss of function.
Inherited breast cancer and ovarian cancer.
Breast-ovarian cancer, familial, susceptibility to, 1 (BROVCA1). Also called: BRCA1 Hereditary Breast and Ovarian Cancer; OVARIAN CANCER, SUSCEPTIBILITY TO. Identifiers: Orphanet 145, MedGen C2676676, MONDO:0011450, OMIM 604370. Disease mechanism: loss of function.
Hereditary cancer-predisposing syndrome. Also called: Hereditary Cancer Syndrome; Hereditary neoplastic syndrome; Neoplastic Syndromes, Hereditary; Tumor predisposition. Identifiers: Orphanet 140162, MedGen C0027672, MeSH D009386, MONDO:0015356.
Hereditary breast ovarian cancer syndrome. Also called: BRCA1- and BRCA2-Associated Hereditary Breast and Ovarian Cancer; Hereditary breast and ovarian cancer syndrome; Hereditary breast and ovarian cancer syndrome (HBOC); Breast and ovarian cancer; Hereditary breast and/or ovarian cancer syndrome; Hereditary breast and ovarian cancer. Identifiers: Orphanet 145, MedGen C0677776, MeSH D061325, MONDO:0003582. Disease mechanism: loss of function.

Allele frequency attached by ClinVar (database versions not stated): gnomAD exomes below 0.00001 and 0.00001; ExAC 0.00001.
gnomAD v4.1: 5 of 1,614,014 alleles (0.00031%); highest among the groups gnomAD compares: South Asian, 0.0055%; no homozygotes.

Submissions 1 to 11 of 18:

Evidence-based Network for the Interpretation of Germline Mutant Alleles (ENIGMA)
Classification: Pathogenic for Breast-ovarian cancer, familial, susceptibility to, 1. Last evaluated: 2016-09-08. Review status: reviewed by expert panel. Criteria: ENIGMA BRCA1/2 Classification Criteria (2015). Collection method: curation. Allele origin: germline.
Comment: Variant allele predicted to encode a truncated non-functional protein.

Labcorp Genetics (formerly Invitae), Labcorp
Classification: Pathogenic for Hereditary breast ovarian cancer syndrome. Last evaluated: 2025-11-20. Review status: criteria provided, single submitter. Criteria: Invitae Variant Classification Sherloc (09022015). Collection method: clinical testing. Allele origin: germline. Not counted in ClinVar's aggregate classification.
Comment: This sequence change creates a premature translational stop signal (p.Ser1503*) in the BRCA1 gene. It is expected to result in an absent or disrupted protein product. Loss-of-function variants in BRCA1 are known to be pathogenic (PMID: 20104584). This variant is present in population databases (rs80357437, gnomAD 0.006%). This premature translational stop signal has been observed in individual(s) with breast and/or ovarian cancer (PMID: 12181777, 16683254, 16998791, 27553291, 28724667). It is commonly reported in individuals of Pakistani ancestry (PMID: 16998791, 27553291). This variant is also known as 4627C>A. ClinVar contains an entry for this variant (Variation ID: 55219). RNA analysis performed to evaluate the impact of this premature translational stop signal on mRNA splicing indicates it does not significantly alter splicing (internal data). For these reasons, this variant has been classified as Pathogenic.

Genetics Laboratory, Great Ormond Street Hospital NHS Foundation Trust, North Thames Genomic Laboratory Hub
Classification: Pathogenic for Inherited breast cancer and ovarian cancer. Last evaluated: 2025-08-21. Review status: criteria provided, single submitter. Criteria: CanVIG BRCA Gene Specific V1.22. Collection method: clinical testing. Allele origin: germline. Affected: yes. Not counted in ClinVar's aggregate classification.
Comment: PS4_supporting, PM2_supporting, PVS1_very-strong, PM5_strong, PP4_strong

Molecular Pathology, Peter Maccallum Cancer Centre
Classification: Pathogenic for Breast-ovarian cancer, familial, susceptibility to, 1. Last evaluated: 2024-12-14. Review status: criteria provided, single submitter. Criteria: ACMG Guidelines, 2015. Collection method: clinical testing. Allele origin: germline. Inheritance: Autosomal dominant inheritance. Not counted in ClinVar's aggregate classification.

Ambry Genetics
Classification: Pathogenic for Hereditary cancer-predisposing syndrome. Last evaluated: 2022-09-27. Review status: criteria provided, single submitter. Criteria: Ambry Variant Classification Scheme 2023. Collection method: clinical testing. Allele origin: germline. Not counted in ClinVar's aggregate classification.
Comment: The p.S1503* pathogenic mutation (also known as c.4508C>A), located in coding exon 13 of the BRCA1 gene, results from a C to A substitution at nucleotide position 4508. This changes the amino acid from a serine to a stop codon within coding exon 13. This pathogenic mutation has been reported in the literature in breast and breast/ovarian cancer families (Liede A et al. Am. J. Hum. Genet. 2002 Sep; 71(3):595-606; van der Hout AH et al. Hum. Mutat. 2006 Jul; 27(7):654-66; Rashid M et al. Int J Cancer. 2006 Dec 15;119(12):2832-9). Of note, this alteration is also designated as 4627C>A in published literature. In addition to the clinical data presented in the literature, this alteration is expected to result in loss of function by premature protein truncation or nonsense-mediated mRNA decay. As such, this alteration is interpreted as a disease-causing mutation.

Color Diagnostics, LLC DBA Color Health
Classification: Pathogenic for Hereditary cancer-predisposing syndrome. Last evaluated: 2022-03-17. Review status: criteria provided, single submitter. Criteria: ACMG Guidelines, 2015. Collection method: clinical testing. Allele origin: germline. Not counted in ClinVar's aggregate classification.
Comment: This variant changes 1 nucleotide in exon 14 of the BRCA1 gene, creating a premature translation stop signal. This variant is expected to result in an absent or non-functional protein product. This variant has been reported in multiple families and individuals affected with breast and/or ovarian cancer (PMID: 12181777, 16267036, 16683254, 16998791, 27553291, 28724667, 31528241) and has been described as a recurrent mutation in hereditary breast and ovarian cancer in Pakistan (PMID: 16998791, 17591843). This variant has been identified in 2/251308 chromosomes in the general population by the Genome Aggregation Database (gnomAD). Loss of BRCA1 function is a known mechanism of disease. Based on the available evidence, this variant is classified as Pathogenic.

Women's Health and Genetics/Laboratory Corporation of America, LabCorp
Classification: Pathogenic for Hereditary breast and ovarian cancer syndrome. Last evaluated: 2017-11-13. Review status: criteria provided, single submitter. Criteria: LabCorp Variant Classification Summary - May 2015. Collection method: clinical testing. Allele origin: germline. Not counted in ClinVar's aggregate classification.
Comment: Variant summary: The BRCA1 c.4508C>A (p.Ser1503X) variant results in a premature termination codon, predicted to cause a truncated or absent BRCA1 protein due to nonsense mediated decay, which are commonly known mechanisms for disease. Truncations downstream of this position have been classified as pathogenic by our laboratory (e.g. p.Glu1694X, p.Gln1747X and p.Ser1796X). This variant was found in 2/246080 control chromosomes (gnomAD) at a frequency of 0.0000081, which does not exceed the estimated maximal expected allele frequency of a pathogenic BRCA1 variant (0.0010005). This variant has been found in several triple negative breast cancer patients from Pakistan (Liede_2002, Rashid_2006, Rashid_2016). Multiple clinical diagnostic laboratories/reputable databases classified this variant as pathogenic. Taken together, this variant is classified as pathogenic.

GeneDx
Classification: Pathogenic. Last evaluated: 2016-10-18. Review status: criteria provided, single submitter. Criteria: GeneDx Variant Classification (06012015). Collection method: clinical testing. Allele origin: germline. Affected: yes. Not counted in ClinVar's aggregate classification.
Comment: This variant is denoted BRCA1 c.4508C>A at the cDNA level and p.Ser1503Ter (S1503X) at the protein level. The substitution creates a nonsense variant, which changes a Serine to a premature stop codon (TCA>TAA), and is predicted to cause loss of normal protein function through either protein truncation or nonsense-mediated mRNA decay. This variant, also reported as BRCA1 4627C>A using alternate nomenclature, has been observed in multiple breast/ovarian cancer families and is considered pathogenic (Liede 2002, Rashid 2006, van der Hout 2006, Thomassen 2008).

Quest Diagnostics Nichols Institute San Juan Capistrano
Classification: Pathogenic. Last evaluated: 2016-03-19. Review status: criteria provided, single submitter. Criteria: Quest Diagnostics criteria. Collection method: clinical testing. Allele origin: unknown. Not counted in ClinVar's aggregate classification.

Consortium of Investigators of Modifiers of BRCA1/2 (CIMBA), c/o University of Cambridge
Classification: Pathogenic for Breast-ovarian cancer, familial, susceptibility to, 1. Last evaluated: 2015-10-02. Review status: criteria provided, single submitter. Criteria: CIMBA Mutation Classification guidelines May 2016. Collection method: clinical testing. Allele origin: germline. Not counted in ClinVar's aggregate classification.

Clinical Genetics DNA and cytogenetics Diagnostics Lab, Erasmus MC, Erasmus Medical Center
Classification: Pathogenic for Breast-ovarian cancer, familial, susceptibility to, 1. Last evaluated: 2015-09-21. Review status: criteria provided, single submitter. Criteria: ACGS Guidelines, 2013. Collection method: clinical testing. Allele origin: germline. Affected: yes. Study: VKGL Data-share Consensus. Not counted in ClinVar's aggregate classification.

NM_007294.4(BRCA1):c.4508C>A (p.Ser1503Ter)

Gene: BRCA1 (BRCA1 DNA repair associated; minus strand). Cytogenetic location: 17q21.31.
Variant type: single nucleotide variant.
Coding change: c.4508C>A on transcript NM_007294.4 (MANE Select); coding-DNA position 4508, C replaced by A.
Protein change: p.Ser1503Ter; replaces serine 1503 with a stop codon.
Molecular consequence: nonsense. On other transcripts: non-coding transcript variant (1).
Genome position (GRCh38, 1-based): chr17:43,074,498, G>T on the plus strand (C>A on the coding strand, the complement: BRCA1 is on the minus strand). VCF-style: chr17-43074498-G-T. GRCh37 (hg19) VCF-style: chr17-41226515-G-T.
Other names: c.4241C>A, p.Ser1414Ter (NM_001407930.1, NM_001407931.1, NM_001407932.1 and 4 more transcripts); c.4238C>A, p.Ser1413Ter (NM_001407934.1, NM_001407935.1, NM_001407936.1); c.4385C>A, p.Ser1462Ter (NM_001407937.1, NM_001407938.1, NM_001407664.1 and 6 more transcripts); c.4382C>A, p.Ser1461Ter (NM_001407939.1, NM_001407674.1, NM_001407675.1 and 11 more transcripts); c.4502C>A, p.Ser1501Ter (NM_001407633.1, NM_001407634.1, NM_001407635.1 and 14 more transcripts); c.4364C>A, p.Ser1455Ter (NM_001407738.1, NM_001407739.1, NM_001407740.1 and 21 more transcripts); c.4301C>A, p.Ser1434Ter (NM_001407875.1, NM_001407874.1); c.4298C>A, p.Ser1433Ter (NM_001407879.1, NM_001407881.1, NM_001407882.1 and 5 more transcripts); and 68 more; short protein forms S1503*, S1456*, S1524*, S399*, S1206*, S1374*, S1375*, S1432*.
Identifiers: ClinVar variation 55219 (VCV000055219.43), dbSNP rs80357437, ClinGen allele CA002889.
Genomic context (GRCh38, chr17:43,074,498, plus strand): 5'-GGGTAGTTTCTATTCTGAAGACTCCCAGAGCAACTGTGCATGTACCACCTATCATCTAAT[G>T]ATGGGCATTTAGAAGGGGATGACCTAGAAAGATAAATGGAAGGAGAAAACCATCGCCACC-3'